The following is an entry in ClinVar:

ClinVar aggregate classification (germline): Pathogenic (1 of 4 stars; one submission).

Submission:

Labcorp Genetics (formerly Invitae), Labcorp
Classification: Pathogenic. Last evaluated: 2022-11-02. Review status: criteria provided, single submitter. Criteria: Invitae Variant Classification Sherloc (09022015). Collection method: clinical testing. Allele origin: germline.
Comment: This variant has not been reported in the literature in individuals affected with MYO7A-related conditions. For these reasons, this variant has been classified as Pathogenic. This variant is not present in population databases (gnomAD no frequency). This sequence change creates a premature translational stop signal (p.Gln1242Thrfs*66) in the MYO7A gene. It is expected to result in an absent or disrupted protein product. Loss-of-function variants in MYO7A are known to be pathogenic (PMID: 8900236, 25404053).

Literature cited by the submitters: PubMed 8900236; PubMed 25404053.

NM_000260.4(MYO7A):c.3722_3723insT (p.Gln1242fs)

Gene: MYO7A (myosin VIIA; plus strand). Cytogenetic location: 11q13.5.
Variant type: Insertion.
Coding change: c.3722_3723insT on transcript NM_000260.4 (MANE Select); coding-DNA positions 3722 to 3723, T inserted.
Protein change: p.Gln1242fs; shifts the reading frame from glutamine 1242.
Molecular consequence: frameshift variant.
Genome position: GRCh38 VCF-style: chr11-77190111-C-CT. GRCh37 (hg19) VCF-style: chr11-76901156-C-CT.
Other names: c.3722_3723insT, p.Gln1242fs (NM_001127180.2); c.3689_3690insT, p.Gln1231fs (NM_001369365.1); short protein forms Q1231fs, Q1242fs.
Identifiers: ClinVar variation 2810464 (VCV002810464.3), dbSNP rs2497362942, ClinGen allele CA2739270702.